The following is an entry in ClinVar:

NM_004260.4(RECQL4):c.1001A>G (p.Glu334Gly)

Gene: RECQL4 (RecQ like helicase 4; minus strand). Cytogenetic location: 8q24.3.
Variant type: single nucleotide variant.
Coding change: c.1001A>G on transcript NM_004260.4 (MANE Select); coding-DNA position 1001, A replaced by G.
Protein change: p.Glu334Gly; replaces glutamic acid 334 with glycine.
Molecular consequence: missense variant.
Genome position (GRCh38, 1-based): chr8:144,516,118, T>C on the plus strand (A>G on the coding strand, the complement: RECQL4 is on the minus strand). VCF-style: chr8-144516118-T-C. GRCh37 (hg19) VCF-style: chr8-145741502-T-C.
Other names: c.1001A>G (NM_004260.3); c.1001A>G, p.Glu334Gly (NM_001413018.1, NM_001413019.1, NM_001413033.1 and 2 more transcripts); c.-71A>G (NM_001413021.1, NM_001413022.1, NM_001413023.1 and 7 more transcripts); c.872A>G, p.Glu291Gly (NM_001413025.1); c.-133A>G (NM_001413027.1, NM_001413030.1, NM_001413031.1 and 2 more transcripts); c.650A>G, p.Glu217Gly (NM_001413029.1); c.-340A>G (NM_001413043.1); short protein forms E217G, E291G, E334G.
Identifiers: ClinVar variation 2176830 (VCV002176830.5), dbSNP rs1176881219, ClinGen allele CA372688366.
Genomic context (GRCh38, chr8:144,516,118, plus strand): 5'-ACGTAATTGCCCCTGTCATGGCGGGCCAGCCGAGGGAAGATGTGCAGGGGGGCTGTGCCC[T>C]CAGCCTTCCCAGCCCTAGCTTGACTGGAGGGGCTGAGTCCGTGGTACCTGGGGTTCGATG-3'
Protein context (NP_004251.4, residues 324-344): PSSQARAGKA[Glu334Gly]GTAPLHIFPR

ClinVar aggregate classification (germline): Uncertain significance. Review status: criteria provided, multiple submitters, no conflicts (2 of 4 stars). 2 submissions from 2 submitters: Uncertain significance (2). Last evaluated 2025-09-27.

Conditions:
Inborn genetic diseases. Identifiers: MedGen C0950123, MeSH D030342.
Baller-Gerold syndrome (BGS). Also called: CRANIOSYNOSTOSIS WITH RADIAL DEFECTS. Identifiers: Orphanet 1225, MedGen C0265308, MONDO:0009039, OMIM 218600.

Allele frequency attached by ClinVar (database versions not stated): gnomAD exomes below 0.00001; TOPMed below 0.00001.
gnomAD v4.1: 2 of 1,613,012 alleles (0.00012%); highest among the groups gnomAD compares: Admixed American, 0.0017%; no homozygotes.

Submissions (2):

Labcorp Genetics (formerly Invitae), Labcorp
Classification: Uncertain significance for Baller-Gerold syndrome. Last evaluated: 2025-09-27. Review status: criteria provided, single submitter. Criteria: Invitae Variant Classification Sherloc (09022015). Collection method: clinical testing. Allele origin: germline.
Comment: This sequence change replaces glutamic acid, which is acidic and polar, with glycine, which is neutral and non-polar, at codon 334 of the RECQL4 protein (p.Glu334Gly). This variant is present in population databases (no rsID available, gnomAD no frequency). This variant has not been reported in the literature in individuals affected with RECQL4-related conditions. ClinVar contains an entry for this variant (Variation ID: 2176830). Invitae Evidence Modeling of protein sequence and biophysical properties (such as structural, functional, and spatial information, amino acid conservation, physicochemical variation, residue mobility, and thermodynamic stability) indicates that this missense variant is not expected to disrupt RECQL4 protein function with a negative predictive value of 80%. Algorithms developed to predict the effect of sequence changes on RNA splicing suggest that this variant may create or strengthen a splice site. In summary, the available evidence is currently insufficient to determine the role of this variant in disease. Therefore, it has been classified as a Variant of Uncertain Significance.

Ambry Genetics
Classification: Uncertain significance for Inborn genetic diseases. Last evaluated: 2025-09-19. Review status: criteria provided, single submitter. Criteria: Ambry Variant Classification Scheme 2023. Collection method: clinical testing. Allele origin: germline.
Comment: The p.E334G variant (also known as c.1001A>G), located in coding exon 5 of the RECQL4 gene, results from an A to G substitution at nucleotide position 1001. The glutamic acid at codon 334 is replaced by glycine, an amino acid with similar properties. This amino acid position is conserved. In addition, this alteration is predicted to be tolerated by in silico analysis. Based on the available evidence, the clinical significance of this variant remains unclear.